The following is an entry in ClinVar:

ClinVar aggregate classification (germline): Conflicting classifications of pathogenicity. Review status: criteria provided, conflicting classifications (1 of 4 stars). 10 submissions from 10 submitters: Uncertain significance (9); Likely benign (1). Last evaluated 2026-08-06.

Conditions:
Cholestasis, intrahepatic, of pregnancy, 3. Identifiers: Orphanet 69665, MedGen C3554241, MONDO:0013995, OMIM 614972.
ABCB4-related disorder. Also called: ABCB4-related disorders; ABCB4-related condition.
Progressive familial intrahepatic cholestasis type 3. Also called: MDR3 DEFICIENCY; Low Gamma-GT Familial Intrahepatic Cholestasis. Identifiers: Orphanet 79305, MedGen C1865643, MONDO:0011214, OMIM 602347.
Low phospholipid associated cholelithiasis (GBD1). Also called: Gallstone cholecystitis; Gallbladder disease 1. Identifiers: Orphanet 69663, MedGen C2609268, MONDO:0010939, OMIM 600803.
Familial intrahepatic cholestasis. Identifiers: Orphanet 284385, MedGen CN296401, MONDO:0017290.

Allele frequency attached by ClinVar (database versions not stated): gnomAD 0.00037 and 0.00039; TOPMed 0.00037; gnomAD exomes 0.00051 and 0.00065; ESP Exome Variant Server 0.00062; ExAC 0.00070.
gnomAD v4.1: 990 of 1,613,778 alleles (0.061%); highest among the groups gnomAD compares: Non-Finnish European, 0.08%; no homozygotes.

Submissions (10):

OLLIN Analises Genomicas, OLLIN
Classification: Uncertain significance for Cholestasis, intrahepatic, of pregnancy, 3. Last evaluated: 2026-08-06. Review status: criteria provided, single submitter. Criteria: ACMG Guidelines 2015 PMID 25741868. Collection method: clinical testing. Allele origin: germline. Inheritance: Autosomal dominant inheritance.
Comment: This missense variant, located in exon 19 (of 28), has been reported in ClinVar (accession VCV000909965.41) and in gnomAD with an allele frequency of 0.061%. However, to our knowledge, it has not been reported in the scientific literature. In silico analysis is inconclusive regarding the impact of this variant. This gene is constrained for missense variation. According to the currently available evidence, this variant has been classified as uncertain significance (PM2_P, PP2).

Genomenon, Inc
Classification: Uncertain significance for Familial intrahepatic cholestasis; Low phospholipid associated cholelithiasis. Last evaluated: 2026-04-14. Review status: criteria provided, single submitter. Criteria: Genomenon Sequence Variant Interpretation Standards - Updated. Collection method: curation. Allele origin: germline. Affected: yes.
Comment: ABCB4 p.Thr775Met (c.2324C>T) is a missense variant that changes the amino acid at residue 775 from Threonine to Methionine. This variant has been observed in at least one proband with an ABCB4-related disorder (PMID:29238877;28924228;20537830;19584064). Functional studies have been reported (PMID:26474921). In conclusion, we classify ABCB4 p.Thr775Met (c.2324C>T) as a variant of uncertain significance.

PreventionGenetics, part of Exact Sciences
Classification: Uncertain significance for ABCB4-related condition. Last evaluated: 2026-04-10. Review status: criteria provided, single submitter. Criteria: ACMG Guidelines, 2015. Collection method: clinical testing. Allele origin: germline.
Comment: The ABCB4 c.2324C>T variant is predicted to result in the amino acid substitution p.Thr775Met. This variant has been reported in the heterozygous state in individuals with intrahepatic cholestasis of pregnancy (Pauli-Magnus et al. 2004. PubMed ID: 15077010; Dixon et al. 2017. PubMed ID: 28924228; Supplementary table 1, Nayagam et al. 2022. PubMed ID: 35894240), in cis with a second missense variant in ABCB4 in an individual with progressive familial intrahepatic cholestasis (Degiorgio et al 2007. PubMed ID: 17726488), in combination with another ABCB4 variant (phase unknown) in an individual with recurrent cholangitis (Vitale et al. 2018. PubMed ID: 29238877 ), and along with TJP2 and ABCB11 variants in two siblings with cholestasis and high GGT (Vitale et al. 2018. PubMed ID: 29238877). This variant has also been reported in an individual with congenital jaundice but was classified as benign (Hegarty et al. 2024. PubMed ID: 38374565). A functional study noted this variant has similar gene and protein expression compared to control, but showed decreased protein activity, especially when combined with additional ABCB4 variants (Delaunay et al. 2016. PubMed ID: 26474921). This variant is reported in 0.098% of alleles in individuals of European (non-Finnish) descent in gnomAD and has conflicting classifications in ClinVar ranging from likely benign to uncertain (Variation ID: 909965). Although we suspect that this variant may be pathogenic, at this time, the clinical significance of this variant is uncertain due to the absence of conclusive functional and genetic evidence.

Labcorp Genetics (formerly Invitae), Labcorp
Classification: Uncertain significance. Last evaluated: 2025-01-08. Review status: criteria provided, single submitter. Criteria: Invitae Variant Classification Sherloc (09022015). Collection method: clinical testing. Allele origin: germline.
Comment: This sequence change replaces threonine, which is neutral and polar, with methionine, which is neutral and non-polar, at codon 775 of the ABCB4 protein (p.Thr775Met). This variant is present in population databases (rs148052192, gnomAD 0.1%), and has an allele count higher than expected for a pathogenic variant. This missense change has been observed in individual(s) with ABCB4-related conditions (PMID: 17726488, 22331132, 35894240). ClinVar contains an entry for this variant (Variation ID: 909965). Invitae Evidence Modeling of protein sequence and biophysical properties (such as structural, functional, and spatial information, amino acid conservation, physicochemical variation, residue mobility, and thermodynamic stability) indicates that this missense variant is not expected to disrupt ABCB4 protein function with a negative predictive value of 80%. Experimental studies are conflicting or provide insufficient evidence to determine the effect of this variant on ABCB4 function (PMID: 26474921). In summary, the available evidence is currently insufficient to determine the role of this variant in disease. Therefore, it has been classified as a Variant of Uncertain Significance.

Blueprint Genetics
Classification: Uncertain significance. Last evaluated: 2024-11-06. Review status: criteria provided, single submitter. Criteria: ACMG Guidelines, 2015. Collection method: clinical testing. Allele origin: germline.

GeneDx
Classification: Uncertain significance. Last evaluated: 2023-12-30. Review status: criteria provided, single submitter. Criteria: GeneDx Variant Classification Process June 2021. Collection method: clinical testing. Allele origin: germline. Affected: yes.
Comment: Identified heterozygous in individuals with intrahepatic cholestasis of pregnancy (PMID: 19584064, 35894240, 28924228); Published functional studies demonstrate that T775M results in decreased phosphatidylcholine secretion (PMID: 26474921); In silico analysis supports that this missense variant does not alter protein structure/function; This variant is associated with the following publications: (PMID: 17726488, 22331132, 34426522, 26474921, 19584064, 35894240, 20537830, 35741809, 29238877, 28924228)

CeGaT Center for Human Genetics Tuebingen
Classification: Uncertain significance. Last evaluated: 2022-12-01. Review status: criteria provided, single submitter. Criteria: CeGaT Center For Human Genetics Tuebingen Variant Classification Criteria Version 2. Collection method: clinical testing. Allele origin: germline. Affected: yes. Observed: 1 variant allele.
Comment: ABCB4: PM3, PM2:Supporting, PP4, PS3:Supporting

Women's Health and Genetics/Laboratory Corporation of America, LabCorp
Classification: Uncertain significance. Last evaluated: 2022-05-31. Review status: criteria provided, single submitter. Criteria: LabCorp Variant Classification Summary - May 2015. Collection method: clinical testing. Allele origin: germline.
Comment: Variant summary: ABCB4 c.2324C>T (p.Thr775Met) results in a non-conservative amino acid change located in the ABC transporter type 1, transmembrane domain (IPR011527) of the encoded protein sequence. Three of five in-silico tools predict a benign effect of the variant on protein function. The variant allele was found at a frequency of 0.00051 in 251208 control chromosomes. This frequency is not significantly higher than estimated for a pathogenic variant in ABCB4 causing Familial Intrahepatic Cholestasis (0.00051 vs 0.0022), allowing no conclusion about variant significance. c.2324C>T has been reported in the literature as a paternally inherited complex allele in cis with p.F357L along with a different maternally inherited variant in an individual with Progressive familial intrahepatic cholestasis type 3 (PFIC3), it has also been reported in isolation as a presumed compound heterozygous genotype in an individual with a form of cholelithiasis referred to as LPAC syndrome (example, Degiorgio_2007, Poupon_2010). These data do not allow any conclusion about variant significance. At least one publication reports experimental evidence evaluating an impact on protein function (Delaunay_2016). The most pronounced variant effect results in >75% of normal Phosphatidylcholine secretion activity for this variant in isolation which decreased further to approximately 20% of normal for the complex allele with p.Phe357Leu. The variant was categorized as Class III with little or no effect on maturation while causing defective activity. Three clinical diagnostic laboratories have submitted clinical-significance assessments for this variant to ClinVar after 2014 without evidence for independent evaluation (likely benign, n=1; VUS, n=2). Based on the evidence outlined above, the variant was classified as uncertain significance.

Baylor Genetics
Classification: Uncertain significance for Progressive familial intrahepatic cholestasis type 3. Last evaluated: 2020-03-13. Review status: criteria provided, single submitter. Criteria: ACMG Guidelines, 2015. Collection method: clinical testing. Allele origin: unknown. Affected: yes.
Comment: This variant was determined to be of uncertain significance according to ACMG Guidelines, 2015 [PMID:25741868].

Illumina Laboratory Services, Illumina
Classification: Likely benign for Cholestasis, intrahepatic, of pregnancy, 3. Last evaluated: 2017-04-27. Review status: criteria provided, single submitter. Criteria: ICSL Variant Classification Criteria 13 December 2019. Collection method: clinical testing. Allele origin: germline.
Comment: This variant was observed as part of a predisposition screen in an ostensibly healthy population. A literature search was performed for the gene, cDNA change, and amino acid change (where applicable). Publications were found based on this search. The evidence from the literature, in combination with allele frequency data from public databases where available, was sufficient to determine this variant is unlikely to cause disease. Therefore, this variant is classified as likely benign.

Literature cited by the submitters: PubMed 29238877 (cited by Genomenon, Inc and Women's Health and Genetics/Laboratory Corporation of America, LabCorp); PubMed 28924228 (cited by Genomenon, Inc and Women's Health and Genetics/Laboratory Corporation of America, LabCorp); PubMed 20537830 (cited by Genomenon, Inc and Women's Health and Genetics/Laboratory Corporation of America, LabCorp); PubMed 19584064 (cited by Genomenon, Inc); PubMed 26474921 (cited by 3 submitters); PubMed 17726488 (cited by 3 submitters); PubMed 22331132 (cited by Labcorp Genetics (formerly Invitae), Labcorp and Women's Health and Genetics/Laboratory Corporation of America, LabCorp); PubMed 35894240 (cited by Labcorp Genetics (formerly Invitae), Labcorp); PubMed 27256251 (cited by Women's Health and Genetics/Laboratory Corporation of America, LabCorp); PubMed 15077010 (cited by Illumina Laboratory Services, Illumina).

NM_000443.4(ABCB4):c.2324C>T (p.Thr775Met)

Gene: ABCB4 (ATP binding cassette subfamily B member 4; minus strand). Cytogenetic location: 7q21.12.
Variant type: single nucleotide variant.
Coding change: c.2324C>T on transcript NM_000443.4 (MANE Select); coding-DNA position 2324, C replaced by T.
Protein change: p.Thr775Met; replaces threonine 775 with methionine.
Molecular consequence: missense variant.
Genome position (GRCh38, 1-based): chr7:87,420,068, G>A on the plus strand (C>T on the coding strand, the complement: ABCB4 is on the minus strand). VCF-style: chr7-87420068-G-A. GRCh37 (hg19) VCF-style: chr7-87049384-G-A.
Other names: c.2324C>T, p.Thr775Met (NM_018849.3, NM_018850.3); short protein forms T775M.
Identifiers: ClinVar variation 909965 (VCV000909965.44), dbSNP rs148052192, ClinGen allele CA4327048.
Genomic context (GRCh38, chr7:87,420,068, plus strand): 5'-ATTGCTTTAAAAGCCATTGACCGCAGTCTTCTGGTGAGGATCTCGCCAGCTTTCCCAAAC[G>A]TGAAACCCTGGTTGAGAAAAAAGGCTATGGTCTCTTTTGATCTTTATGTATGTAATTGCA-3'
Protein context (NP_000434.1, residues 765-785): SFFTFFLQGF[Thr775Met]FGKAGEILTR